The following is an entry in ClinVar:

NM_000051.4(ATM):c.6785C>A (p.Ala2262Asp)

Genes: ATM (ATM serine/threonine kinase; plus strand), C11orf65 (chromosome 11 open reading frame 65; minus strand). Cytogenetic location: 11q22.3.
Variant type: single nucleotide variant.
Coding change: c.6785C>A on transcript NM_000051.4 (MANE Select); coding-DNA position 6785, C replaced by A.
Protein change: p.Ala2262Asp; replaces alanine 2262 with aspartic acid.
Molecular consequence: missense variant. On other transcripts: intron variant (2).
Genome position (GRCh38, 1-based): chr11:108,325,522, C>A. VCF-style: chr11-108325522-C-A. GRCh37 (hg19) VCF-style: chr11-108196249-C-A.
Other names: c.6785C>A, p.Ala2262Asp (NM_001351834.2); c.641-16451G>T (NM_001330368.2); c.*38+9698G>T (NM_001351110.2); short protein forms A2262D.
Identifiers: ClinVar variation 232833 (VCV000232833.12), dbSNP rs876660017, ClinGen allele CA10579235.

ClinVar aggregate classification (germline): Uncertain significance. Review status: criteria provided, multiple submitters, no conflicts (2 of 4 stars). 3 submissions from 3 submitters: Uncertain significance (2). 1 of the submissions does not count toward it. Last evaluated 2023-08-03.

Conditions:
Hereditary cancer-predisposing syndrome. Also called: Neoplastic Syndromes, Hereditary; Hereditary neoplastic syndrome; Tumor predisposition; Hereditary Cancer Syndrome. Identifiers: Orphanet 140162, MedGen C0027672, MeSH D009386, MONDO:0015356.
Ataxia-telangiectasia syndrome (AT). Also called: Ataxia telangiectasia (A-T); Cerebello-oculocutaneous telangiectasia; Immunodeficiency with ataxia telangiectasia; LOUIS-BAR SYNDROME; AT, COMPLEMENTATION GROUP C; ATAXIA-TELANGIECTASIA, FRESNO VARIANT. Identifiers: Orphanet 100, MedGen C0004135, MONDO:0008840, OMIM 208900.

Submissions (3):

Labcorp Genetics (formerly Invitae), Labcorp
Classification: Uncertain significance for Ataxia-telangiectasia syndrome. Last evaluated: 2023-08-03. Review status: criteria provided, single submitter. Criteria: Invitae Variant Classification Sherloc (09022015). Collection method: clinical testing. Allele origin: germline.
Comment: In summary, the available evidence is currently insufficient to determine the role of this variant in disease. Therefore, it has been classified as a Variant of Uncertain Significance. An algorithm developed to predict the effect of missense changes on protein structure and function (PolyPhen-2) suggests that this variant is likely to be disruptive. ClinVar contains an entry for this variant (Variation ID: 232833). This variant has not been reported in the literature in individuals affected with ATM-related conditions. This variant is not present in population databases (gnomAD no frequency). This sequence change replaces alanine, which is neutral and non-polar, with aspartic acid, which is acidic and polar, at codon 2262 of the ATM protein (p.Ala2262Asp).

Ambry Genetics
Classification: Uncertain significance for Hereditary cancer-predisposing syndrome. Last evaluated: 2015-07-17. Review status: criteria provided, single submitter. Criteria: Ambry Variant Classification Scheme 2023. Collection method: clinical testing. Allele origin: germline.
Comment: The p.A2262D variant (also known as c.6785C>A), located in coding exon 45 of the ATM gene, results from a C to A substitution at nucleotide position 6785. The alanine at codon 2262 is replaced by aspartic acid, an amino acid with dissimilar properties. This variant was not reported in population based cohorts in the following databases: Database of Single Nucleotide Polymorphisms (dbSNP), NHLBI Exome Sequencing Project (ESP), and 1000 Genomes Project. In the ESP, this variant was not observed in 6499 samples (12998 alleles) with coverage at this position. To date, this alteration has been detected with an allele frequency of approximately 0.002% (greater than 66000 alleles tested) in our clinical cohort. This amino acid position is well conserved in available vertebrate species. In addition, this alteration is predicted to be deleterious by in silico analysis. Since supporting evidence is limited at this time, the clinical significance of this variant remains unclear.

Natera, Inc.
Classification: Uncertain significance for Ataxia-telangiectasia. Last evaluated: 2021-04-24. Review status: no assertion criteria provided. Collection method: clinical testing. Allele origin: germline. Not counted in ClinVar's aggregate classification.